The following is an entry in ClinVar:

NM_004136.4(IREB2):c.1594G>A (p.Val532Ile)

Gene: IREB2 (iron responsive element binding protein 2; plus strand). Cytogenetic location: 15q25.1.
Variant type: single nucleotide variant.
Coding change: c.1594G>A on transcript NM_004136.4 (MANE Select); coding-DNA position 1594, G replaced by A.
Protein change: p.Val532Ile; replaces valine 532 with isoleucine.
Molecular consequence: missense variant.
Genome position (GRCh38, 1-based): chr15:78,485,725, G>A. VCF-style: chr15-78485725-G-A. GRCh37 (hg19) VCF-style: chr15-78778067-G-A.
Other names: c.844G>A, p.Val282Ile (NM_001320941.2); c.1423G>A, p.Val475Ile (NM_001320942.2, NM_001354994.2); short protein forms V282I, V475I, V532I.
Identifiers: ClinVar variation 4804971 (VCV004804971.1).

ClinVar aggregate classification (germline): Uncertain significance (1 of 4 stars; one submission).

gnomAD v4.1: 1 of 1,613,684 alleles (0.000062%); highest among the groups gnomAD compares: Non-Finnish European, 0.000085%; no homozygotes.

Submission:

Labcorp Genetics (formerly Invitae), Labcorp
Classification: Uncertain significance. Last evaluated: 2025-10-10. Review status: criteria provided, single submitter. Criteria: Invitae Variant Classification Sherloc (09022015). Collection method: clinical testing. Allele origin: germline.
Comment: This sequence change replaces valine, which is neutral and non-polar, with isoleucine, which is neutral and non-polar, at codon 532 of the IREB2 protein (p.Val532Ile). This variant is not present in population databases (gnomAD no frequency). This variant has not been reported in the literature in individuals affected with IREB2-related conditions. An algorithm developed to predict the effect of missense changes on protein structure and function (PolyPhen-2) suggests that this variant is likely to be tolerated. In summary, the available evidence is currently insufficient to determine the role of this variant in disease. Therefore, it has been classified as a Variant of Uncertain Significance.